The following is an entry in ClinVar:

NM_000465.4(BARD1):c.1976G>A (p.Arg659Lys)

Gene: BARD1 (BRCA1 associated RING domain 1; minus strand). Cytogenetic location: 2q35.
Variant type: single nucleotide variant.
Coding change: c.1976G>A on transcript NM_000465.4 (MANE Select); coding-DNA position 1976, G replaced by A.
Protein change: p.Arg659Lys; replaces arginine 659 with lysine.
Molecular consequence: missense variant. On other transcripts: non-coding transcript variant (3).
Genome position (GRCh38, 1-based): chr2:214,730,436, C>T on the plus strand (G>A on the coding strand, the complement: BARD1 is on the minus strand). VCF-style: chr2-214730436-C-T. GRCh37 (hg19) VCF-style: chr2-215595160-C-T.
Other names: c.1919G>A, p.Arg640Lys (NM_001282543.2); c.623G>A, p.Arg208Lys (NM_001282545.2); c.566G>A, p.Arg189Lys (NM_001282548.2); c.437G>A, p.Arg146Lys (NM_001282549.2); c.1976G>A (NM_000465.2); short protein forms R659K, R640K, R208K, R146K, R189K.
Identifiers: ClinVar variation 630551 (VCV000630551.8), dbSNP rs1559373888, ClinGen allele CA350451133.

ClinVar aggregate classification (germline): Uncertain significance. Review status: criteria provided, multiple submitters, no conflicts (2 of 4 stars). 2 submissions from 2 submitters: Uncertain significance (2). Last evaluated 2025-07-07.

Conditions:
Hereditary cancer-predisposing syndrome. Also called: Tumor predisposition; Neoplastic Syndromes, Hereditary; Hereditary neoplastic syndrome; Hereditary Cancer Syndrome. Identifiers: Orphanet 140162, MedGen C0027672, MeSH D009386, MONDO:0015356.

gnomAD v4.1: 1 of 1,613,818 alleles (0.000062%); highest among the groups gnomAD compares: Non-Finnish European, 0.000085%; no homozygotes.

Submissions (2):

Ambry Genetics
Classification: Uncertain significance for Hereditary cancer-predisposing syndrome. Last evaluated: 2025-07-07. Review status: criteria provided, single submitter. Criteria: Ambry Variant Classification Scheme 2023. Collection method: clinical testing. Allele origin: germline.
Comment: The p.R659K variant (also known as c.1976G>A), located in coding exon 10 of the BARD1 gene, results from a G to A substitution at nucleotide position 1976. The arginine at codon 659 is replaced by lysine, an amino acid with highly similar properties. This amino acid position is well conserved in available vertebrate species. In addition, this alteration is predicted to be tolerated by in silico analysis. Since supporting evidence is limited at this time, the clinical significance of this alteration remains unclear.

Color Diagnostics, LLC DBA Color Health
Classification: Uncertain significance for Hereditary cancer-predisposing syndrome. Last evaluated: 2023-12-05. Review status: criteria provided, single submitter. Criteria: ACMG Guidelines, 2015. Collection method: clinical testing. Allele origin: germline.
Comment: This missense variant replaces arginine with lysine at codon 659 of the BARD1 protein. Computational prediction suggests that this variant may not impact protein structure and function (internally defined REVEL score threshold <= 0.5, PMID: 27666373). To our knowledge, functional studies have not been reported for this variant. This variant has not been reported in individuals affected with BARD1-related disorders in the literature. This variant has not been identified in the general population by the Genome Aggregation Database (gnomAD). The available evidence is insufficient to determine the role of this variant in disease conclusively. Therefore, this variant is classified as a Variant of Uncertain Significance.